The following is an entry in ClinVar:

NM_022437.3(ABCG8):c.1625G>A (p.Cys542Tyr)

Gene: ABCG8 (ATP binding cassette subfamily G member 8; plus strand). Cytogenetic location: 2p21.
Variant type: single nucleotide variant.
Coding change: c.1625G>A on transcript NM_022437.3 (MANE Select); coding-DNA position 1625, G replaced by A.
Protein change: p.Cys542Tyr; replaces cysteine 542 with tyrosine.
Molecular consequence: missense variant.
Genome position (GRCh38, 1-based): chr2:43,875,282, G>A. VCF-style: chr2-43875282-G-A. GRCh37 (hg19) VCF-style: chr2-44102421-G-A.
Other names: c.1622G>A, p.Cys541Tyr (NM_001357321.2); short protein forms C541Y, C542Y.
Identifiers: ClinVar variation 1719594 (VCV001719594.5), dbSNP rs2466283156, ClinGen allele CA346670469.

ClinVar aggregate classification (germline): Uncertain significance (1 of 4 stars; one submission).

Submission:

Labcorp Genetics (formerly Invitae), Labcorp
Classification: Uncertain significance. Last evaluated: 2022-12-16. Review status: criteria provided, single submitter. Criteria: Invitae Variant Classification Sherloc (09022015). Collection method: clinical testing. Allele origin: germline.
Comment: This sequence change replaces cysteine, which is neutral and slightly polar, with tyrosine, which is neutral and polar, at codon 542 of the ABCG8 protein (p.Cys542Tyr). This variant is not present in population databases (gnomAD no frequency). This variant has not been reported in the literature in individuals affected with ABCG8-related conditions. ClinVar contains an entry for this variant (Variation ID: 1719594). Advanced modeling of protein sequence and biophysical properties (such as structural, functional, and spatial information, amino acid conservation, physicochemical variation, residue mobility, and thermodynamic stability) performed at Invitae indicates that this missense variant is not expected to disrupt ABCG8 protein function. In summary, the available evidence is currently insufficient to determine the role of this variant in disease. Therefore, it has been classified as a Variant of Uncertain Significance.